The following is an entry in ClinVar:

NM_018418.5(SPATA7):c.1161-2A>G

Gene: SPATA7 (spermatogenesis associated 7; plus strand). Cytogenetic location: 14q31.3.
Variant type: single nucleotide variant.
Coding change: c.1161-2A>G on transcript NM_018418.5 (MANE Select); the canonical splice acceptor site of the intron before coding-DNA position 1161, A replaced by G.
Molecular consequence: splice acceptor variant.
Genome position (GRCh38, 1-based): chr14:88,437,541, A>G. VCF-style: chr14-88437541-A-G. GRCh37 (hg19) VCF-style: chr14-88903885-A-G.
Other names: c.1065-2A>G (NM_001040428.4).
Identifiers: ClinVar variation 4786079 (VCV004786079.1).

ClinVar aggregate classification (germline): Pathogenic (1 of 4 stars; one submission).

Conditions:
Leber congenital amaurosis 3 (LCA3). Also called: SPATA7-Related Retinitis Pigmentosa. Identifiers: MedGen C1858677, MONDO:0011415, OMIM 604232.

Submission:

Labcorp Genetics (formerly Invitae), Labcorp
Classification: Pathogenic for Leber congenital amaurosis 3. Last evaluated: 2025-09-07. Review status: criteria provided, single submitter. Criteria: Invitae Variant Classification Sherloc (09022015). Collection method: clinical testing. Allele origin: germline.
Comment: This sequence change affects an acceptor splice site in intron 10 of the SPATA7 gene. It is expected to disrupt RNA splicing. Variants that disrupt the donor or acceptor splice site typically lead to a loss of protein function (PMID: 16199547), and loss-of-function variants in SPATA7 are known to be pathogenic (PMID: 19268277, 22334370, 23847139, 26047050, 26261414). This variant is not present in population databases (gnomAD no frequency). Disruption of this splice site has been observed in individual(s) with Leber congenital amaurosis (PMID: 20104588). In at least one individual the data is consistent with being in trans (on the opposite chromosome) from a pathogenic variant. It has also been observed to segregate with disease in related individuals. Algorithms developed to predict the effect of sequence changes on RNA splicing suggest that this variant may disrupt the consensus splice site. For these reasons, this variant has been classified as Pathogenic.

Literature cited by the submitters: PubMed 16199547; PubMed 19268277; PubMed 22334370; PubMed 23847139; PubMed 26047050; PubMed 26261414; PubMed 20104588.